The following is an entry in ClinVar:

NM_001384900.1(SEMA3D):c.1290C>G (p.Ser430=)

Gene: SEMA3D (semaphorin 3D; minus strand). Cytogenetic location: 7q21.11.
Variant type: single nucleotide variant.
Coding change: c.1290C>G on transcript NM_001384900.1 (MANE Select); coding-DNA position 1290, C replaced by G.
Protein change: p.Ser430=; no amino-acid change (serine 430 retained).
Molecular consequence: synonymous variant.
Genome position (GRCh38, 1-based): chr7:85,022,515, G>C on the plus strand (C>G on the coding strand, the complement: SEMA3D is on the minus strand). VCF-style: chr7-85022515-G-C. GRCh37 (hg19) VCF-style: chr7-84651831-G-C.
Other names: c.1290C>G, p.Ser430= (NM_001384901.1, NM_001384902.1, NM_001384903.1 and 1 more transcripts).
Identifiers: ClinVar variation 732320 (VCV000732320.5), dbSNP rs147923999, ClinGen allele CA4323475.

ClinVar aggregate classification (germline): Benign. Review status: criteria provided, single submitter (1 of 4 stars). 2 submissions from 2 submitters: Benign (1). 1 of the submissions does not count toward it. Last evaluated 2018-07-13.

Conditions:
SEMA3D-related disorder. Also called: SEMA3D-related condition.

Allele frequency attached by ClinVar (database versions not stated): TOPMed 0.00092; ESP Exome Variant Server 0.00100; 1000 Genomes Project 30x 0.00031.
gnomAD v4.1: 249 of 1,612,084 alleles (0.015%); highest among the groups gnomAD compares: African/African-American, 0.29%; no homozygotes.

Submissions (2):

Labcorp Genetics (formerly Invitae), Labcorp
Classification: Benign. Last evaluated: 2018-07-13. Review status: criteria provided, single submitter. Criteria: Invitae Variant Classification Sherloc (09022015). Collection method: clinical testing. Allele origin: germline.

PreventionGenetics, part of Exact Sciences
Classification: Likely benign for SEMA3D-related condition. Last evaluated: 2021-06-24. Review status: no assertion criteria provided. Collection method: clinical testing. Allele origin: germline. Not counted in ClinVar's aggregate classification.
Comment: This variant is classified as likely benign based on ACMG/AMP sequence variant interpretation guidelines (Richards et al. 2015 PMID: 25741868, with internal and published modifications).